The following is an entry in ClinVar:

ClinVar aggregate classification (germline): Likely benign (1 of 4 stars; one submission).

Allele frequency attached by ClinVar (database versions not stated): gnomAD 0.00018; ESP Exome Variant Server 0.00623.

Submission:

CeGaT Center for Human Genetics Tuebingen
Classification: Likely benign. Last evaluated: 2025-01-01. Review status: criteria provided, single submitter. Criteria: CeGaT Center For Human Genetics Tuebingen Variant Classification Criteria Version 2. Collection method: clinical testing. Allele origin: germline. Affected: yes. Observed: 2 variant alleles.
Comment: HCAR3: BP4, BP7

NM_006018.3(HCAR3):c.981G>A (p.Thr327=)

Gene: HCAR3 (hydroxycarboxylic acid receptor 3; minus strand). Cytogenetic location: 12q24.31.
Variant type: single nucleotide variant.
Coding change: c.981G>A on transcript NM_006018.3 (MANE Select); coding-DNA position 981, G replaced by A.
Protein change: p.Thr327=; no amino-acid change (threonine 327 retained).
Molecular consequence: synonymous variant.
Genome position (GRCh38, 1-based): chr12:122,715,757, C>T on the plus strand (G>A on the coding strand, the complement: HCAR3 is on the minus strand). VCF-style: chr12-122715757-C-T. GRCh37 (hg19) VCF-style: chr12-123200304-C-T.
Identifiers: ClinVar variation 2643504 (VCV002643504.24), dbSNP rs372002973, ClinGen allele CA6849597.